The following is an entry in ClinVar:

NM_001127671.2(LIFR):c.2497+14T>G

Gene: LIFR (LIF receptor subunit alpha; minus strand). Cytogenetic location: 5p13.1.
Variant type: single nucleotide variant.
Coding change: c.2497+14T>G on transcript NM_001127671.2 (MANE Select); 14 bases into the intron after coding-DNA position 2497, T replaced by G.
Molecular consequence: intron variant.
Genome position (GRCh38, 1-based): chr5:38,485,805, A>C on the plus strand (T>G on the coding strand, the complement: LIFR is on the minus strand). VCF-style: chr5-38485805-A-C. GRCh37 (hg19) VCF-style: chr5-38485907-A-C.
Other names: c.2497+14T>G (NM_002310.6, NM_001364298.2, NM_001364297.2).
Identifiers: ClinVar variation 906453 (VCV000906453.12), dbSNP rs541984532, ClinGen allele CA3242651.

ClinVar aggregate classification (germline): Benign/Likely benign. Review status: criteria provided, multiple submitters, no conflicts (2 of 4 stars). 3 submissions from 3 submitters: Benign (1); Likely benign (2). Last evaluated 2026-01-21.

Conditions:
Stuve-Wiedemann syndrome (STWS). Also called: Stüve-Wiedemann syndrome. Identifiers: Orphanet 3206, MedGen C0796176, MONDO:0031280.

Allele frequency attached by ClinVar (database versions not stated): gnomAD 0.00004 and 0.00047; TOPMed 0.00009; ExAC 0.00148; 1000 Genomes Project 30x 0.00328.
gnomAD v4.1: 1,047 of 1,613,988 alleles (0.065%); highest among the groups gnomAD compares: South Asian, 1%; 9 homozygotes.

Submissions (3):

Labcorp Genetics (formerly Invitae), Labcorp
Classification: Benign. Last evaluated: 2026-01-21. Review status: criteria provided, single submitter. Criteria: Invitae Variant Classification Sherloc (09022015). Collection method: clinical testing. Allele origin: germline.

Illumina Laboratory Services, Illumina
Classification: Likely benign for Stüve-Wiedemann syndrome 1. Last evaluated: 2018-01-13. Review status: criteria provided, single submitter. Criteria: ICSL Variant Classification Criteria 13 December 2019. Collection method: clinical testing. Allele origin: germline.
Comment: This variant was observed in the ICSL laboratory as part of a predisposition screen in an ostensibly healthy population. It had not been previously curated by ICSL or reported in the Human Gene Mutation Database (HGMD: prior to June 1st, 2018), and was therefore a candidate for classification through an automated scoring system. Utilizing variant allele frequency, disease prevalence and penetrance estimates, and inheritance mode, an automated score was calculated to assess if this variant is too frequent to cause the disease. Based on the score and internal cut-off values, a variant classified as likely benign is not then subjected to further curation. The score for this variant resulted in a classification of likely benign for this disease.

Breakthrough Genomics
Classification: Likely benign. Review status: criteria provided, single submitter. Criteria: ACMG Guidelines, 2015. Collection method: not provided. Allele origin: germline. Inheritance: Autosomal recessive inheritance. Affected: yes.